The following is an entry in ClinVar:

NM_000059.4(BRCA2):c.6233G>C (p.Gly2078Ala)

Gene: BRCA2 (BRCA2 DNA repair associated; plus strand). Cytogenetic location: 13q13.1.
Variant type: single nucleotide variant.
Coding change: c.6233G>C on transcript NM_000059.4 (MANE Select); coding-DNA position 6233, G replaced by C.
Protein change: p.Gly2078Ala; replaces glycine 2078 with alanine.
Molecular consequence: missense variant. On other transcripts: non-coding transcript variant (1), intron variant (2).
Genome position (GRCh38, 1-based): chr13:32,340,588, G>C. VCF-style: chr13-32340588-G-C. GRCh37 (hg19) VCF-style: chr13-32914725-G-C.
Other names: c.6233G>C, p.Gly2078Ala (NM_001406719.1, NM_001406720.1); c.1910-3970G>C (NM_001406721.1); c.425-3970G>C (NM_001406722.1); short protein forms G2078A.
Identifiers: ClinVar variation 2681832 (VCV002681832.1), dbSNP rs769883812, ClinGen allele CA387788897.

ClinVar aggregate classification (germline): Uncertain significance (1 of 4 stars; one submission).

Submission:

Quest Diagnostics Nichols Institute San Juan Capistrano
Classification: Uncertain significance. Last evaluated: 2023-06-06. Review status: criteria provided, single submitter. Criteria: Quest Diagnostics criteria. Collection method: clinical testing. Allele origin: unknown.
Comment: To the best of our knowledge, this variant has not been reported in the published literature. It also has not been reported in large, multi-ethnic general populations (Genome Aggregation Database). Analysis of this variant using bioinformatics tools for the prediction of the effect of amino acid changes on protein structure and function yielded conflicting predictions that this variant is benign or damaging. Based on the available information, we are unable to determine the clinical significance of this variant.